The following is an entry in ClinVar:

NM_002700.3(POU4F3):c.205G>A (p.Gly69Ser)

Genes: POU4F3 (POU class 4 homeobox 3; plus strand), RBM27-POU4F3 (RBM27-POU4F3 readthrough; plus strand). Cytogenetic location: 5q32.
Variant type: single nucleotide variant.
Coding change: c.205G>A on transcript NM_002700.3 (MANE Select); coding-DNA position 205, G replaced by A.
Protein change: p.Gly69Ser; replaces glycine 69 with serine.
Molecular consequence: missense variant. On other transcripts: 3 prime UTR variant (1).
Genome position (GRCh38, 1-based): chr5:146,339,632, G>A. VCF-style: chr5-146339632-G-A. GRCh37 (hg19) VCF-style: chr5-145719195-G-A.
Other names: c.*74G>A (NM_001414499.1); short protein forms G69S.
Identifiers: ClinVar variation 2635799 (VCV002635799.1), dbSNP rs556832050, ClinGen allele CA361620228.

ClinVar aggregate classification (germline): Uncertain significance (1 of 4 stars; one submission).

Conditions:
POU4F3-related disorder. Also called: POU4F3-related condition.

Submission:

PreventionGenetics, part of Exact Sciences
Classification: Uncertain significance for POU4F3-related condition. Last evaluated: 2023-07-05. Review status: criteria provided, single submitter. Criteria: ACMG Guidelines, 2015. Collection method: clinical testing. Allele origin: germline.
Comment: The POU4F3 c.205G>A variant is predicted to result in the amino acid substitution p.Gly69Ser. To our knowledge, this variant has not been reported in the literature. This variant is reported in 0.0098% of alleles in individuals of South Asian descent in gnomAD. At this time, the clinical significance of this variant is uncertain due to the absence of conclusive functional and genetic evidence.